The following is an entry in ClinVar:

NM_004415.4(DSP):c.*197C>T

Gene: DSP (desmoplakin; plus strand). Cytogenetic location: 6p24.3.
Variant type: single nucleotide variant.
Coding change: c.*197C>T on transcript NM_004415.4 (MANE Select); 197 bases downstream of the stop codon, C replaced by T.
Molecular consequence: 3 prime UTR variant.
Genome position (GRCh38, 1-based): chr6:7,586,075, C>T. VCF-style: chr6-7586075-C-T. GRCh37 (hg19) VCF-style: chr6-7586308-C-T.
Other names: c.*197C>T (LRG_423t1, NM_001008844.3, NM_001319034.2).
Identifiers: ClinVar variation 357973 (VCV000357973.8), dbSNP rs12250, ClinGen allele CA10624636.

ClinVar aggregate classification (germline): Benign. Review status: criteria provided, multiple submitters, no conflicts (2 of 4 stars). 4 submissions from 2 submitters: Benign (4). Last evaluated 2018-06-14.

Conditions:
Woolly hair-skin fragility syndrome (WHSF). Identifiers: Orphanet 293165, MedGen C1843292, MONDO:0957307, OMIM 620415.
Arrhythmogenic right ventricular dysplasia 8 (ARVD8). Also called: ARRHYTHMOGENIC RIGHT VENTRICULAR DYSPLASIA, FAMILIAL, 8; ARRHYTHMOGENIC RIGHT VENTRICULAR CARDIOMYOPATHY 8; Arrhythmogenic Right Ventricular Dysplasia/Cardiomyopathy 8. Identifiers: MedGen C1843896, MONDO:0011831, OMIM 607450.
Lethal acantholytic epidermolysis bullosa (EBLA). Identifiers: Orphanet 158687, MedGen C1864826, MONDO:0012323, OMIM 609638.

Allele frequency attached by ClinVar (database versions not stated): gnomAD exomes 0.23180; gnomAD 0.26363 and 0.26572; TOPMed 0.26527; 1000 Genomes Project 0.27356; 1000 Genomes Project 30x 0.27733.
gnomAD v4.1: 147,592 of 615,186 alleles (24%); highest among the groups gnomAD compares: African/African-American, 35%; 18,322 homozygotes.

Submissions (4):

GeneDx
Classification: Benign. Last evaluated: 2018-06-14. Review status: criteria provided, single submitter. Criteria: GeneDx Variant Classification Process June 2021. Collection method: clinical testing. Allele origin: germline. Affected: yes.

Illumina Laboratory Services, Illumina
Classification: Benign for Arrhythmogenic right ventricular dysplasia 8. Last evaluated: 2018-01-13. Review status: criteria provided, single submitter. Criteria: ICSL Variant Classification Criteria 13 December 2019. Collection method: clinical testing. Allele origin: germline.
Comment: This variant was observed in the ICSL laboratory as part of a predisposition screen in an ostensibly healthy population. It had not been previously curated by ICSL or reported in the Human Gene Mutation Database (HGMD: prior to June 1st, 2018), and was therefore a candidate for classification through an automated scoring system. Utilizing variant allele frequency, disease prevalence and penetrance estimates, and inheritance mode, an automated score was calculated to assess if this variant is too frequent to cause the disease. Based on the score and internal cut-off values, a variant classified as benign is not then subjected to further curation. The score for this variant resulted in a classification of benign for this disease.

Illumina Laboratory Services, Illumina
Classification: Benign for Arrhythmogenic cardiomyopathy with wooly hair and keratoderma. Last evaluated: 2018-01-13. Review status: criteria provided, single submitter. Criteria: ICSL Variant Classification Criteria 13 December 2019. Collection method: clinical testing. Allele origin: germline.
Comment: the same text as in the submission from Illumina Laboratory Services, Illumina above.

Illumina Laboratory Services, Illumina
Classification: Benign for Lethal acantholytic epidermolysis bullosa. Last evaluated: 2018-01-13. Review status: criteria provided, single submitter. Criteria: ICSL Variant Classification Criteria 13 December 2019. Collection method: clinical testing. Allele origin: germline.
Comment: the same text as in the submission from Illumina Laboratory Services, Illumina above.